The following is an entry in ClinVar:

ClinVar aggregate classification (germline): Uncertain significance (1 of 4 stars; one submission).

Submission:

CeGaT Center for Human Genetics Tuebingen
Classification: Uncertain significance. Last evaluated: 2023-09-01. Review status: criteria provided, single submitter. Criteria: CeGaT Center For Human Genetics Tuebingen Variant Classification Criteria Version 2. Collection method: clinical testing. Allele origin: germline. Affected: yes. Observed: 1 variant allele.
Comment: TBL2: PM2

NM_012453.4(TBL2):c.409G>A (p.Asp137Asn)

Gene: TBL2 (transducin beta like 2; minus strand). Cytogenetic location: 7q11.23.
Variant type: single nucleotide variant.
Coding change: c.409G>A on transcript NM_012453.4 (MANE Select); coding-DNA position 409, G replaced by A.
Protein change: p.Asp137Asn; replaces aspartic acid 137 with asparagine.
Molecular consequence: missense variant. On other transcripts: 5 prime UTR variant (3).
Genome position (GRCh38, 1-based): chr7:73,573,975, C>T on the plus strand (G>A on the coding strand, the complement: TBL2 is on the minus strand). VCF-style: chr7-73573975-C-T. GRCh37 (hg19) VCF-style: chr7-72988305-C-T.
Other names: c.310G>A, p.Asp104Asn (NM_001362660.2); c.-64G>A (NM_001362661.2, NM_001362662.2, NM_001362663.2); short protein forms D104N, D137N.
Identifiers: ClinVar variation 2657556 (VCV002657556.24), dbSNP rs782320508, ClinGen allele CA367817462.